The following is an entry in ClinVar:

NM_001077653.2(TBX20):c.872G>A (p.Arg291Lys)

Gene: TBX20 (T-box transcription factor 20; minus strand). Cytogenetic location: 7p14.2.
Variant type: single nucleotide variant.
Coding change: c.872G>A on transcript NM_001077653.2 (MANE Select); coding-DNA position 872, G replaced by A.
Protein change: p.Arg291Lys; replaces arginine 291 with lysine.
Molecular consequence: missense variant.
Genome position (GRCh38, 1-based): chr7:35,231,522, C>T on the plus strand (G>A on the coding strand, the complement: TBX20 is on the minus strand). VCF-style: chr7-35231522-C-T. GRCh37 (hg19) VCF-style: chr7-35271134-C-T.
Other names: c.872G>A, p.Arg291Lys (NM_001166220.1); short protein forms R291K.
Identifiers: ClinVar variation 1764473 (VCV001764473.7), dbSNP rs1489623741, ClinGen allele CA367263737.

ClinVar aggregate classification (germline): Uncertain significance. Review status: criteria provided, multiple submitters, no conflicts (2 of 4 stars). 2 submissions from 2 submitters: Uncertain significance (2). Last evaluated 2023-06-29.

Conditions:
Cardiovascular phenotype. Identifiers: MedGen CN230736.

Allele frequency attached by ClinVar (database versions not stated): gnomAD exomes below 0.00001; gnomAD 0.00001; TOPMed 0.00002.
gnomAD v4.1: 3 of 1,613,338 alleles (0.00019%); highest among the groups gnomAD compares: African/African-American, 0.004%; no homozygotes.

Submissions (2):

Labcorp Genetics (formerly Invitae), Labcorp
Classification: Uncertain significance. Last evaluated: 2023-06-29. Review status: criteria provided, single submitter. Criteria: Invitae Variant Classification Sherloc (09022015). Collection method: clinical testing. Allele origin: germline.
Comment: This sequence change replaces arginine, which is basic and polar, with lysine, which is basic and polar, at codon 291 of the TBX20 protein (p.Arg291Lys). The frequency data for this variant in the population databases is considered unreliable, as metrics indicate poor data quality at this position in the gnomAD database. This variant has not been reported in the literature in individuals affected with TBX20-related conditions. ClinVar contains an entry for this variant (Variation ID: 1764473). Advanced modeling of protein sequence and biophysical properties (such as structural, functional, and spatial information, amino acid conservation, physicochemical variation, residue mobility, and thermodynamic stability) performed at Invitae indicates that this missense variant is not expected to disrupt TBX20 protein function. In summary, the available evidence is currently insufficient to determine the role of this variant in disease. Therefore, it has been classified as a Variant of Uncertain Significance.

Ambry Genetics
Classification: Uncertain significance for Cardiovascular phenotype. Last evaluated: 2019-12-19. Review status: criteria provided, single submitter. Criteria: Ambry Variant Classification Scheme 2023. Collection method: clinical testing. Allele origin: germline.
Comment: The p.R291K variant (also known as c.872G>A), located in coding exon 6 of the TBX20 gene, results from a G to A substitution at nucleotide position 872. The arginine at codon 291 is replaced by lysine, an amino acid with highly similar properties. This amino acid position is highly conserved in available vertebrate species. In addition, the in silico prediction for this alteration is inconclusive. Since supporting evidence is limited at this time, the clinical significance of this alteration remains unclear.